The following is an entry in ClinVar:

NM_001164508.2(NEB):c.11273dup (p.Asp3759fs)

Gene: NEB (nebulin; minus strand). Cytogenetic location: 2q23.3.
Variant type: Duplication.
Coding change: c.11273dup on transcript NM_001164508.2 (MANE Select); coding-DNA position 11273, one base duplicated (G; older notation c.11273dupG).
Protein change: p.Asp3759fs; shifts the reading frame from aspartic acid 3759.
Molecular consequence: frameshift variant.
Genome position (GRCh38, 1-based): chr2:151,616,018, C duplicated on the plus strand (G on the coding strand, the reverse complement: NEB is on the minus strand). VCF-style (leftmost placement, unchanged base first): chr2-151616017-T-TC. GRCh37 (hg19) VCF-style: chr2-152472531-T-TC.
Other names: c.11273dup, p.Asp3759fs (NM_001164507.2, NM_001271208.2); c.10544dup, p.Asp3516fs (NM_004543.5); short protein forms D3516fs, D3759fs.
Identifiers: ClinVar variation 4814706 (VCV004814706.1).

ClinVar aggregate classification (germline): Likely pathogenic (1 of 4 stars; one submission).

Conditions:
Nemaline myopathy 2 (NEM2). Also called: Nemaline myopathy 2, autosomal recessive. Identifiers: MedGen C1850569, MONDO:0009725, OMIM 256030.

Submission:

Natera, Inc.
Classification: Likely pathogenic for Nemaline myopathy type 2. Last evaluated: 2025-12-15. Review status: criteria provided, single submitter. Criteria: Natera Variant Classification Schema (03/2026). Collection method: clinical testing. Allele origin: germline.
Comment: The c.11273dup variant in NEB is a frameshift variant predicted to shift the reading frame beginning at codon 3759 and leads to a stop codon 4 codons downstream. This variant is expected to result in nonsense mediated decay, truncation, or a dysfunctional protein product. This variant is rare in the general population with a frequency below the threshold expected for the associated phenotype(s). Given the available evidence, this variant is classified as Likely Pathogenic.